The following is an entry in ClinVar:

ClinVar aggregate classification (germline): Likely benign. Review status: criteria provided, single submitter (1 of 4 stars). 2 submissions from 2 submitters: Likely benign (1). 1 of the submissions does not count toward it. Last evaluated 2018-02-20.

Allele frequency attached by ClinVar (database versions not stated): gnomAD exomes 0.00008 and 0.00024; ESP Exome Variant Server 0.00097; TOPMed 0.00129; ExAC 0.00026; 1000 Genomes Project 0.00080; 1000 Genomes Project 30x 0.00094; gnomAD 0.00107 and 0.00117.
gnomAD v4.1: 293 of 1,612,890 alleles (0.018%); highest among the groups gnomAD compares: African/African-American, 0.34%; no homozygotes.

Submissions (2):

Labcorp Genetics (formerly Invitae), Labcorp
Classification: Likely benign. Last evaluated: 2018-02-20. Review status: criteria provided, single submitter. Criteria: Invitae Variant Classification Sherloc (09022015). Collection method: clinical testing. Allele origin: germline.

Department of Pathology and Laboratory Medicine, Sinai Health System
Classification: Uncertain significance. Review status: no assertion criteria provided. Collection method: clinical testing. Allele origin: unknown. Affected: yes. Study: The Canadian Open Genetics Repository (COGR). Not counted in ClinVar's aggregate classification.
Comment: The PLCD1 p.Asn28Asp variant was not identified in the literature nor was it identified in ClinVar, Cosmic or LOVD 3.0. The variant was identified in dbSNP (ID: rs143961610) and was also found in control databases in 92 of 276286 chromosomes at a frequency of 0.000333 (Genome Aggregation Database Feb 27, 2017). The variant was observed in the following population: African in 86 of 23942 chromosomes (freq: 0.003592) and Latino in 6 of 35310 chromosomes (freq: 0.00017), while the variant was not observed in the Ashkenazi Jewish, East Asian, European (Finnish), European (non-Finnish), Other or South Asian populations. The variant occurs outside of the splicing consensus sequence and in silico or computational prediction software programs (SpliceSiteFinder, MaxEntScan, NNSPLICE, GeneSplicer) do not predict a difference in splicing. The p.Asn28 residue is not conserved in mammals and four out of five computational analyses (SIFT, AlignGVGD, BLOSUM, MutationTaster) do not suggest a high likelihood of impact to the protein; however, this information is not predictive enough to rule out pathogenicity. In summary, based on the above information the clinical significance of this variant cannot be determined with certainty at this time. This variant is classified as a variant of uncertain significance.

NM_006225.4(PLCD1):c.35-4000A>G

Gene: PLCD1 (phospholipase C delta 1; minus strand). Cytogenetic location: 3p22.2.
Variant type: single nucleotide variant.
Coding change: c.35-4000A>G on transcript NM_006225.4 (MANE Select); 4000 bases into the intron before coding-DNA position 35, A replaced by G.
Molecular consequence: intron variant. On other transcripts: missense variant (1), non-coding transcript variant (1).
Genome position (GRCh38, 1-based): chr3:38,024,352, T>C on the plus strand (A>G on the coding strand, the complement: PLCD1 is on the minus strand). VCF-style: chr3-38024352-T-C. GRCh37 (hg19) VCF-style: chr3-38065843-T-C.
Other names: c.82A>G, p.Asn28Asp (NM_001130964.2); short protein forms N28D.
Identifiers: ClinVar variation 722932 (VCV000722932.4), dbSNP rs143961610, ClinGen allele CA2313516.
Genomic context (GRCh38, chr3:38,024,352, plus strand): 5'-CCTTCCCATTCCCCCGCAGATCTCGGAGTGCTCTGCGCCCCTTACCCAGCCTCCGTCCAT[T>C]GAGCGCCGCCACCTTAAGGCTCCGCTCCTGCAGGTAGAGCTCCCTGGAGCGGCTCCGGCT-3'